The following is an entry in ClinVar:

ClinVar aggregate classification (germline): Uncertain significance. Review status: criteria provided, multiple submitters, no conflicts (2 of 4 stars). 5 submissions from 5 submitters: Uncertain significance (4). 1 of the submissions does not count toward it. Last evaluated 2024-12-04.

Conditions:
Inborn genetic diseases. Identifiers: MedGen C0950123, MeSH D030342.
Hemochromatosis type 3 (HFE3). Also called: Hereditary hemochromatosis type 3; HEMOCHROMATOSIS DUE TO DEFECT IN TRANSFERRIN RECEPTOR 2; TFR2-Related Hemochromatosis. Identifiers: Orphanet 225123, MedGen C1858664, MONDO:0011417, OMIM 604250.
TFR2-related disorder. Also called: TFR2-related condition.
Hereditary hemochromatosis (HFE). Identifiers: MedGen C0392514, MONDO:0006507. Disease mechanism: loss of function.

Allele frequency attached by ClinVar (database versions not stated): gnomAD 0.00001; TOPMed 0.00002; gnomAD exomes 0.00003 and 0.00006; ExAC 0.00005; ESP Exome Variant Server 0.00015.

Submissions (5):

PreventionGenetics, part of Exact Sciences
Classification: Uncertain significance for TFR2-related condition. Last evaluated: 2024-12-04. Review status: criteria provided, single submitter. Criteria: ACMG Guidelines, 2015. Collection method: clinical testing. Allele origin: germline.
Comment: The TFR2 c.1243G>A variant is predicted to result in the amino acid substitution p.Gly415Ser. To our knowledge, this variant has not been reported in the literature. This variant is reported in 0.0054% of alleles in individuals of European (Non-Finnish) descent in gnomAD. At this time, the clinical significance of this variant is uncertain due to the absence of conclusive functional and genetic evidence.

Ambry Genetics
Classification: Uncertain significance for Inborn genetic diseases. Last evaluated: 2023-09-22. Review status: criteria provided, single submitter. Criteria: Ambry Variant Classification Scheme 2023. Collection method: clinical testing. Allele origin: germline.

Fulgent Genetics
Classification: Uncertain significance for Hemochromatosis type 3. Last evaluated: 2022-03-08. Review status: criteria provided, single submitter. Criteria: ACMG Guidelines, 2015. Collection method: clinical testing. Allele origin: unknown.

Labcorp Genetics (formerly Invitae), Labcorp
Classification: Uncertain significance for Hereditary hemochromatosis. Last evaluated: 2022-02-12. Review status: criteria provided, single submitter. Criteria: Invitae Variant Classification Sherloc (09022015). Collection method: clinical testing. Allele origin: germline.
Comment: This sequence change replaces glycine, which is neutral and non-polar, with serine, which is neutral and polar, at codon 415 of the TFR2 protein (p.Gly415Ser). This variant is present in population databases (rs143185818, gnomAD 0.005%). This variant has not been reported in the literature in individuals affected with TFR2-related conditions. ClinVar contains an entry for this variant (Variation ID: 990092). Algorithms developed to predict the effect of missense changes on protein structure and function are either unavailable or do not agree on the potential impact of this missense change (SIFT: "Deleterious"; PolyPhen-2: "Benign"; Align-GVGD: "Class C0"). Algorithms developed to predict the effect of sequence changes on RNA splicing suggest that this variant may create or strengthen a splice site. In summary, the available evidence is currently insufficient to determine the role of this variant in disease. Therefore, it has been classified as a Variant of Uncertain Significance.

Natera, Inc.
Classification: Uncertain significance for Hereditary hemochromatosis type 3. Last evaluated: 2020-08-13. Review status: no assertion criteria provided. Collection method: clinical testing. Allele origin: germline. Not counted in ClinVar's aggregate classification.

NM_003227.4(TFR2):c.1243G>A (p.Gly415Ser)

Gene: TFR2 (transferrin receptor 2; minus strand). Cytogenetic location: 7q22.1.
Variant type: single nucleotide variant.
Coding change: c.1243G>A on transcript NM_003227.4 (MANE Select); coding-DNA position 1243, G replaced by A.
Protein change: p.Gly415Ser; replaces glycine 415 with serine.
Molecular consequence: missense variant.
Genome position (GRCh38, 1-based): chr7:100,630,916, C>T on the plus strand (G>A on the coding strand, the complement: TFR2 is on the minus strand). VCF-style: chr7-100630916-C-T. GRCh37 (hg19) VCF-style: chr7-100228539-C-T.
Other names: c.730G>A, p.Gly244Ser (NM_001206855.3); c.1243G>A (NM_003227.3); short protein forms G244S, G415S.
Identifiers: ClinVar variation 990092 (VCV000990092.6), dbSNP rs143185818, ClinGen allele CA4386522.